The following is an entry in ClinVar:

NM_139276.3(STAT3):c.454C>T (p.Arg152Trp)

Gene: STAT3 (signal transducer and activator of transcription 3; minus strand). Cytogenetic location: 17q21.2.
Variant type: single nucleotide variant.
Coding change: c.454C>T on transcript NM_139276.3 (MANE Select); coding-DNA position 454, C replaced by T.
Protein change: p.Arg152Trp; replaces arginine 152 with tryptophan.
Molecular consequence: missense variant. On other transcripts: intron variant (1).
Genome position (GRCh38, 1-based): chr17:42,339,328, G>A on the plus strand (C>T on the coding strand, the complement: STAT3 is on the minus strand). VCF-style: chr17-42339328-G-A. GRCh37 (hg19) VCF-style: chr17-40491346-G-A.
Other names: c.454C>T, p.Arg152Trp (NM_001369512.1, NM_001369513.1, NM_001369514.1 and 15 more transcripts); c.376C>T, p.Arg126Trp (NM_001384985.1); c.373-516C>T (NM_001384989.1); short protein forms R152W, R126W.
Identifiers: ClinVar variation 224846 (VCV000224846.14), dbSNP rs869312890, ClinGen allele CA357942.

ClinVar aggregate classification (germline): Pathogenic. Review status: criteria provided, multiple submitters, no conflicts (2 of 4 stars). 6 submissions from 6 submitters: Pathogenic (6). Last evaluated 2024-09-03.

Conditions:
STAT3-related disorder. Also called: STAT3-related condition.
STAT3-related early-onset multisystem autoimmune disease. Also called: Autoimmune disease, multisystem, infantile-onset, 1. Identifiers: Orphanet 438159, MedGen C4014795, MONDO:0014414, OMIM 615952.
Hyper-IgE recurrent infection syndrome 1, autosomal dominant. Also called: STAT3 Hyper IgE Syndrome; Job's Syndrome; Hyper-IgE recurrent infection syndrome 1; JOB SYNDROME; HYPER-IgE SYNDROME 1, AUTOSOMAL DOMINANT, WITH RECURRENT INFECTIONS. Identifiers: Orphanet 2314, MedGen C2936739, MONDO:0007818, OMIM 147060.
STAT3 gain of function. Identifiers: MedGen C4288261.

gnomAD v4.1: 2 of 1,613,574 alleles (0.00012%); highest among the groups gnomAD compares: Non-Finnish European, 0.00017%; no homozygotes.

Submissions (6):

Institute of Human Genetics, Clinical Exome/Genome Diagnostics Group, University Hospital Bonn
Classification: Pathogenic for STAT3-related early-onset multisystem autoimmune disease. Last evaluated: 2024-09-03. Review status: criteria provided, single submitter. Criteria: ACMG Guidelines, 2015. Collection method: clinical testing. Allele origin: paternal. Affected: yes.

GeneDx
Classification: Pathogenic. Last evaluated: 2024-08-05. Review status: criteria provided, single submitter. Criteria: GeneDx Variant Classification Process June 2021. Collection method: clinical testing. Allele origin: germline. Affected: yes.
Comment: Published functional studies demonstrate a damaging effect with significantly increased STAT3 binding activity consistent with a gain of function mutation; Not observed at significant frequency in large population cohorts (gnomAD); This variant is associated with the following publications: (PMID: 34128135, 31770611, 30092289, 34573280, 34134972, 33726816, 33057194, 36228738, 34390446, 37976116, 35982159, 15919823, 25359994)

Labcorp Genetics (formerly Invitae), Labcorp
Classification: Pathogenic for STAT3 gain of function; Hyper-IgE recurrent infection syndrome 1, autosomal dominant. Last evaluated: 2024-04-22. Review status: criteria provided, single submitter. Criteria: Invitae Variant Classification Sherloc (09022015). Collection method: clinical testing. Allele origin: germline.
Comment: This sequence change replaces arginine, which is basic and polar, with tryptophan, which is neutral and slightly polar, at codon 152 of the STAT3 protein (p.Arg152Trp). This variant is not present in population databases (gnomAD no frequency). This missense change has been observed in individual(s) with multi-organ autoimmune disease (PMID: 25359994). In at least one individual the variant was observed to be de novo. ClinVar contains an entry for this variant (Variation ID: 224846). Advanced modeling of protein sequence and biophysical properties (such as structural, functional, and spatial information, amino acid conservation, physicochemical variation, residue mobility, and thermodynamic stability) performed at Invitae indicates that this missense variant is expected to disrupt STAT3 protein function with a positive predictive value of 80%. Experimental studies have shown that this missense change affects STAT3 function (PMID: 25359994). For these reasons, this variant has been classified as Pathogenic.

Blueprint Genetics
Classification: Pathogenic for STAT3-related disorders. Last evaluated: 2021-07-15. Review status: criteria provided, single submitter. Criteria: ACMG Guidelines, 2015. Collection method: clinical testing. Allele origin: germline. Affected: yes. Observed: 1 variant allele.

Lupski Lab, Baylor-Hopkins CMG, Baylor College of Medicine
Classification: Pathogenic for STAT3-related early-onset multisystem autoimmune disease. Last evaluated: 2014-10-30. Review status: criteria provided, single submitter. Criteria: Milner et al. (Blood 2015). Collection method: research. Allele origin: de novo. Inheritance: Autosomal dominant inheritance. Affected: yes. Observed: 1 variant allele, 1 heterozygote.
Comment: segregates with the phenotype in an affected family

Clinical Genetics Service, Universitary Hospital 12 de Octubre
Classification: Pathogenic for STAT3-related early-onset multisystem autoimmune disease. Review status: criteria provided, single submitter. Criteria: ACMG Guidelines, 2015. Collection method: clinical testing. Allele origin: germline. Affected: yes.

Literature cited by the submitters: PubMed 25359994 (cited by Labcorp Genetics (formerly Invitae), Labcorp).